The following is an entry in ClinVar:

NM_007078.3(LDB3):c.1485C>T (p.Ser495=)

Gene: LDB3 (LIM domain binding 3; plus strand). Cytogenetic location: 10q23.2.
Variant type: single nucleotide variant.
Coding change: c.1485C>T on transcript NM_007078.3 (MANE Select); coding-DNA position 1485, C replaced by T.
Protein change: p.Ser495=; no amino-acid change (serine 495 retained).
Molecular consequence: synonymous variant.
Genome position (GRCh38, 1-based): chr10:86,716,580, C>T. VCF-style: chr10-86716580-C-T. GRCh37 (hg19) VCF-style: chr10-88476337-C-T.
Other names: c.1155C>T, p.Ser385= (NM_001080114.2); c.1500C>T, p.Ser500= (NM_001171610.2); c.1296C>T, p.Ser432= (NM_001368064.1, NM_001368065.1); c.1344C>T, p.Ser448= (NM_001368066.1).
Identifiers: ClinVar variation 3866773 (VCV003866773.1).
Genomic context (GRCh38, chr10:86,716,580, plus strand): 5'-GGCCTACAGCGGGGGCCCTGCGGAGCCTGCCAGCCGTCCACCCTGGGTGACAGATGATAG[C>T]TTCTCCCAGAAGTTTGCCCCGGGCAAGAGCACCACCTCCATCAGCAAGCAGACCCTGCCC-3'
Protein context (NP_009009.1, residues 485-505): ASRPPWVTDD[Ser495=]FSQKFAPGKS

ClinVar aggregate classification (germline): Uncertain significance (1 of 4 stars; one submission).

Conditions:
Cardiovascular phenotype. Identifiers: MedGen CN230736.

Submission:

Ambry Genetics
Classification: Uncertain significance for Cardiovascular phenotype. Last evaluated: 2025-02-26. Review status: criteria provided, single submitter. Criteria: Ambry Variant Classification Scheme 2023. Collection method: clinical testing. Allele origin: germline.
Comment: The c.1485C>T variant (also known as p.S495S), located in coding exon 9 of the LDB3 gene, results from a C to T substitution at nucleotide position 1485. This nucleotide substitution does not change the serine at codon 495. This nucleotide position is well conserved in available vertebrate species. In silico splice site analysis predicts that this alteration may result in the creation or strengthening of a novel splice acceptor site. Based on the available evidence, the clinical significance of this variant remains unclear.